The following is an entry in ClinVar:

NM_015459.5(ATL3):c.1382C>T (p.Thr461Ile)

Genes: ATL3 (atlastin GTPase 3; minus strand), LNCROPM (lncRNA regulator of PLAAT3 mediated phospholipid metabolism; plus strand). Cytogenetic location: 11q13.1.
Variant type: single nucleotide variant.
Coding change: c.1382C>T on transcript NM_015459.5 (MANE Select); coding-DNA position 1382, C replaced by T.
Protein change: p.Thr461Ile; replaces threonine 461 with isoleucine.
Molecular consequence: missense variant.
Genome position (GRCh38, 1-based): chr11:63,631,197, G>A on the plus strand (C>T on the coding strand, the complement: ATL3 is on the minus strand). VCF-style: chr11-63631197-G-A. GRCh37 (hg19) VCF-style: chr11-63398669-G-A.
Other names: c.1328C>T, p.Thr443Ile (NM_001290048.2); c.1382C>T (NM_015459.3); short protein forms T443I, T461I.
Identifiers: ClinVar variation 1046971 (VCV001046971.10), dbSNP rs747719105, ClinGen allele CA6063529.
Genomic context (GRCh38, chr11:63,631,197, plus strand): 5'-AACAGTAGTCCAACCATACAGTTGAACAACTGGGCTACAACCTCAAGACCTATGAAGCCA[G>A]TGAGGCCTGAGGCTATGTACAAAGCTACAATGCCCGTGAACAGCACTGCAGGGGTTCGGA-3'
Protein context (NP_056274.3, residues 451-471): IVALYIASGL[Thr461Ile]GFIGLEVVAQ

ClinVar aggregate classification (germline): Conflicting classifications of pathogenicity. Review status: criteria provided, conflicting classifications (1 of 4 stars). 2 submissions from 2 submitters: Uncertain significance (1); Likely benign (1). Last evaluated 2024-10-08.

Conditions:
Neuropathy, hereditary sensory, type 1F. Also called: HSN IF; Hereditary sensory neuropathy type IF. Identifiers: Orphanet 36386, MedGen C3810194, MONDO:0014286, OMIM 615632.
Inborn genetic diseases. Identifiers: MedGen C0950123, MeSH D030342.

Allele frequency attached by ClinVar (database versions not stated): ExAC 0.00002; gnomAD exomes 0.00002; TOPMed 0.00003; 1000 Genomes Project 30x 0.00031.
gnomAD v4.1: 7 of 1,614,230 alleles (0.00043%); highest among the groups gnomAD compares: Admixed American, 0.0067%; no homozygotes.

Submissions (2):

Ambry Genetics
Classification: Likely benign for Inborn genetic diseases. Last evaluated: 2024-10-08. Review status: criteria provided, single submitter. Criteria: Ambry Variant Classification Scheme 2023. Collection method: clinical testing. Allele origin: germline.

Labcorp Genetics (formerly Invitae), Labcorp
Classification: Uncertain significance for Neuropathy, hereditary sensory, type 1F. Last evaluated: 2020-03-09. Review status: criteria provided, single submitter. Criteria: Invitae Variant Classification Sherloc (09022015). Collection method: clinical testing. Allele origin: germline.
Comment: This variant has not been reported in the literature in individuals with ATL3-related conditions. This variant is present in population databases (rs747719105, ExAC 0.02%). This sequence change replaces threonine with isoleucine at codon 461 of the ATL3 protein (p.Thr461Ile). The threonine residue is moderately conserved and there is a moderate physicochemical difference between threonine and isoleucine. Algorithms developed to predict the effect of missense changes on protein structure and function (SIFT, PolyPhen-2, Align-GVGD) all suggest that this variant is likely to be tolerated, but these predictions have not been confirmed by published functional studies and their clinical significance is uncertain. In summary, the available evidence is currently insufficient to determine the role of this variant in disease. Therefore, it has been classified as a Variant of Uncertain Significance.